The following is an entry in ClinVar:

NM_004385.5(VCAN):c.5443C>T (p.Pro1815Ser)

Genes: VCAN (versican; plus strand), VCAN-AS1 (VCAN antisense RNA 1; minus strand). Cytogenetic location: 5q14.3.
Variant type: single nucleotide variant.
Coding change: c.5443C>T on transcript NM_004385.5 (MANE Select); coding-DNA position 5443, C replaced by T.
Protein change: p.Pro1815Ser; replaces proline 1815 with serine.
Molecular consequence: missense variant. On other transcripts: intron variant (2).
Genome position (GRCh38, 1-based): chr5:83,538,446, C>T. VCF-style: chr5-83538446-C-T. GRCh37 (hg19) VCF-style: chr5-82834265-C-T.
Other names: c.2482C>T, p.Pro828Ser (NM_001164097.2); c.4004-7091C>T (NM_001164098.2); c.1043-7091C>T (NM_001126336.3); short protein forms P1815S, P828S.
Identifiers: ClinVar variation 3678946 (VCV003678946.2).

ClinVar aggregate classification (germline): Uncertain significance (1 of 4 stars; one submission).

gnomAD v4.1: 1 of 1,613,978 alleles (0.000062%); highest among the groups gnomAD compares: South Asian, 0.0011%; no homozygotes.

Submission:

Labcorp Genetics (formerly Invitae), Labcorp
Classification: Uncertain significance. Last evaluated: 2024-06-26. Review status: criteria provided, single submitter. Criteria: Invitae Variant Classification Sherloc (09022015). Collection method: clinical testing. Allele origin: germline.
Comment: This sequence change replaces proline, which is neutral and non-polar, with serine, which is neutral and polar, at codon 1815 of the VCAN protein (p.Pro1815Ser). This variant is present in population databases (rs778756193, gnomAD 0.0009%). This variant has not been reported in the literature in individuals affected with VCAN-related conditions. Algorithms developed to predict the effect of missense changes on protein structure and function output the following: SIFT: "Not Available"; PolyPhen-2: "Benign"; Align-GVGD: "Not Available". The serine amino acid residue is found in multiple mammalian species, which suggests that this missense change does not adversely affect protein function. In summary, the available evidence is currently insufficient to determine the role of this variant in disease. Therefore, it has been classified as a Variant of Uncertain Significance.